The following is an entry in ClinVar:

NM_000132.4(F8):c.5143C>G (p.Arg1715Gly)

Gene: F8 (coagulation factor VIII; minus strand). Cytogenetic location: Xq28.
Variant type: single nucleotide variant.
Coding change: c.5143C>G on transcript NM_000132.4 (MANE Select); coding-DNA position 5143, C replaced by G.
Protein change: p.Arg1715Gly; replaces arginine 1715 with glycine.
Molecular consequence: missense variant.
Genome position (GRCh38, 1-based): chrX:154,928,647, G>C on the plus strand (C>G on the coding strand, the complement: F8 is on the minus strand). VCF-style: chrX-154928647-G-C. GRCh37 (hg19) VCF-style: chrX-154156922-G-C.
Other names: F8, ARG1696GLY; R1696G; short protein forms R1715G.
Identifiers: ClinVar variation 10268 (VCV000010268.4), dbSNP rs137852439, ClinGen allele CA255157.

ClinVar aggregate classification (germline): Likely pathogenic. Review status: criteria provided, single submitter (1 of 4 stars). 2 submissions from 2 submitters: Likely pathogenic (1). 1 of the submissions does not count toward it. Last evaluated 2022-06-24.

Conditions:
Hereditary factor VIII deficiency disease (HEMA). Also called: HEMOPHILIA, CLASSIC; Hemophilia A; Hemophilia A, congenital; HEM A; Factor 8 deficiency, congenital; AUTOSOMAL HEMOPHILIA A. Identifiers: Orphanet 98878, MedGen C0019069, MONDO:0010602, OMIM 306700.

Allele frequency attached by ClinVar (database versions not stated): TOPMed 0.00002.

Submissions (2):

ARUP Laboratories, Molecular Genetics and Genomics, ARUP Laboratories
Classification: Likely pathogenic. Last evaluated: 2022-06-24. Review status: criteria provided, single submitter. Criteria: ARUP Molecular Germline Variant Investigation Process 2021. Collection method: clinical testing. Allele origin: germline.
Comment: The F8 c.5143C>G; p.Arg1715Gly variant (rs137852439), also known as R1696G in traditional nomenclature, is reported in the literature in multiple individuals affected with mild hemophilia A (Jayandharan 2005, Johnsen 2017, Markoff 2009, see link to FVIII database). This variant is also reported in ClinVar (Variation ID: 10268), but is absent from the Genome Aggregation Database, indicating it is not a common polymorphism. The arginine at codon 1715 is highly conserved, and computational analyses predict that this variant is deleterious (REVEL: 0.904). Additionally, other variants at this codon (c.5144G>A, p.Arg1715Gln; c.5144G>C, p.Arg1715Pro) have been reported in individuals with mild or moderate hemophilia A (David 2006, Markoff 2009). Based on available information, the p.Arg1715Gly variant is considered to be likely pathogenic. References: Link to FVIII database: David D et al. The spectrum of mutations and molecular pathogenesis of hemophilia A in 181 Portuguese patients. Haematologica. 2006 Jun;91(6):840-3. PMID: 16769589. Jayandharan G et al. Identification of factor VIII gene mutations in 101 patients with haemophilia A: mutation analysis by inversion screening and multiplex PCR and CSGE and molecular modelling of 10 novel missense substitutions. Haemophilia. 2005 Sep;11(5):481-91. PMID: 16128892. Johnsen JM et al. Novel approach to genetic analysis and results in 3000 hemophilia patients enrolled in the My Life, Our Future initiative. Blood Adv. 2017 May 18;1(13):824-834. PMID: 29296726. Markoff A et al. Combined homology modelling and evolutionary significance evaluation of missense mutations in blood clotting factor VIII to highlight aspects of structure and function. Haemophilia. 2009 Jul;15(4):932-41. PMID: 19473423.

OMIM
Classification: Pathogenic for HEMOPHILIA A. Last evaluated: 1992-04-01. Review status: no assertion criteria provided. Collection method: literature only. Allele origin: germline. Not counted in ClinVar's aggregate classification.

Literature cited by the submitters: PubMed 1349567 (cited by OMIM).